The following is an entry in ClinVar:

NM_024649.5(BBS1):c.338A>T (p.Tyr113Phe)

Gene: BBS1 (Bardet-Biedl syndrome 1; plus strand). Cytogenetic location: 11q13.2.
Variant type: single nucleotide variant.
Coding change: c.338A>T on transcript NM_024649.5 (MANE Select); coding-DNA position 338, A replaced by T.
Protein change: p.Tyr113Phe; replaces tyrosine 113 with phenylalanine.
Molecular consequence: missense variant.
Genome position (GRCh38, 1-based): chr11:66,514,584, A>T. VCF-style: chr11-66514584-A-T. GRCh37 (hg19) VCF-style: chr11-66282055-A-T.
Other names: c.338A>T (NM_024649.4); short protein forms Y113F.
Identifiers: ClinVar variation 1349131 (VCV001349131.7), dbSNP rs753517084, ClinGen allele CA6123309.

ClinVar aggregate classification (germline): Uncertain significance. Review status: criteria provided, multiple submitters, no conflicts (2 of 4 stars). 2 submissions from 2 submitters: Uncertain significance (2). Last evaluated 2026-06-01.

Conditions:
Bardet-Biedl syndrome (BBS). Identifiers: Orphanet 110, MedGen C0752166, MONDO:0015229.
BBS1-related disorder. Also called: BBS1-related condition.

Allele frequency attached by ClinVar (database versions not stated): TOPMed below 0.00001; ExAC 0.00001; gnomAD exomes 0.00001.

Submissions (2):

PreventionGenetics, part of Exact Sciences
Classification: Uncertain significance for BBS1-related condition. Last evaluated: 2026-06-01. Review status: criteria provided, single submitter. Criteria: ACMG Guidelines, 2015. Collection method: clinical testing. Allele origin: germline.
Comment: The BBS1 c.338A>T variant is predicted to result in the amino acid substitution p.Tyr113Phe. To our knowledge, this variant has not been reported in the literature. This variant is reported in 0.0058% of alleles in individuals of Latino descent in gnomAD. At this time, the clinical significance of this variant is uncertain due to the absence of conclusive functional and genetic evidence.

Labcorp Genetics (formerly Invitae), Labcorp
Classification: Uncertain significance for Bardet-Biedl syndrome. Last evaluated: 2023-05-22. Review status: criteria provided, single submitter. Criteria: Invitae Variant Classification Sherloc (09022015). Collection method: clinical testing. Allele origin: germline.
Comment: Advanced modeling of protein sequence and biophysical properties (such as structural, functional, and spatial information, amino acid conservation, physicochemical variation, residue mobility, and thermodynamic stability) performed at Invitae indicates that this missense variant is not expected to disrupt BBS1 protein function. In summary, the available evidence is currently insufficient to determine the role of this variant in disease. Therefore, it has been classified as a Variant of Uncertain Significance. ClinVar contains an entry for this variant (Variation ID: 1349131). This variant has not been reported in the literature in individuals affected with BBS1-related conditions. This variant is present in population databases (rs753517084, gnomAD 0.006%). This sequence change replaces tyrosine, which is neutral and polar, with phenylalanine, which is neutral and non-polar, at codon 113 of the BBS1 protein (p.Tyr113Phe).